The following is an entry in ClinVar:

NM_000069.3(CACNA1S):c.1728G>A (p.Leu576=)

Gene: CACNA1S (calcium voltage-gated channel subunit alpha1 S; minus strand). Cytogenetic location: 1q32.1.
Variant type: single nucleotide variant.
Coding change: c.1728G>A on transcript NM_000069.3 (MANE Select); coding-DNA position 1728, G replaced by A.
Protein change: p.Leu576=; no amino-acid change (leucine 576 retained).
Molecular consequence: synonymous variant.
Genome position (GRCh38, 1-based): chr1:201,077,019, C>T on the plus strand (G>A on the coding strand, the complement: CACNA1S is on the minus strand). VCF-style: chr1-201077019-C-T. GRCh37 (hg19) VCF-style: chr1-201046147-C-T.
Identifiers: ClinVar variation 2926542 (VCV002926542.5), dbSNP rs774495290, ClinGen allele CA078536.
Genomic context (GRCh38, chr1:201,077,019, plus strand): 5'-GTTGCTGCGCCGTACTTCTGTGTCTTCAAAGTCATACCTCCCCCCAAAGAGCTGCATGCC[C>T]AGGAGGGCGAAGATGACGATGAAGAGGAAGAGCAGCAGCAGCAGGGAGGCGATGGAGCGG-3'
Protein context (NP_000060.2, residues 566-586): LFLFIVIFAL[Leu576=]GMQLFGGRYD

ClinVar aggregate classification (germline): Likely benign. Review status: criteria provided, multiple submitters, no conflicts (2 of 4 stars). 2 submissions from 2 submitters: Likely benign (2). Last evaluated 2024-05-30.

Conditions:
Malignant hyperthermia, susceptibility to, 5 (MHS5). Also called: CACNA1S-Related Malignant Hyperthermia Susceptibility. Identifiers: Orphanet 423, MedGen C1866077, MONDO:0011163, OMIM 601887.
Hypokalemic periodic paralysis, type 1. Also called: Hypokalemic Periodic Paralysis Type 1 (AD); HypoPP. Identifiers: Orphanet 681, MedGen C3714580, MONDO:0042979, OMIM 170400.

Allele frequency attached by ClinVar (database versions not stated): gnomAD exomes below 0.00001; ExAC 0.00001; gnomAD 0.00001; TOPMed 0.00001.
gnomAD v4.1: 2 of 1,614,104 alleles (0.00012%); highest among the groups gnomAD compares: African/African-American, 0.0013%; no homozygotes.

Submissions (2):

All of Us Research Program, National Institutes of Health
Classification: Likely benign for Malignant hyperthermia, susceptibility to, 5. Last evaluated: 2024-05-30. Review status: criteria provided, single submitter. Criteria: ACMG Guidelines, 2015. Collection method: clinical testing. Allele origin: germline. Inheritance: Autosomal dominant inheritance. Observed: 2 variant alleles, 2 heterozygotes.
Comment: This study involves interpretation of variants in research participants for the purpose of population health screening. Participant phenotype was not available at the time of variant classification. Additional details can be found in publication PMID: 35346344, PMCID: PMC8962531

Labcorp Genetics (formerly Invitae), Labcorp
Classification: Likely benign for Hypokalemic periodic paralysis, type 1; Malignant hyperthermia, susceptibility to, 5. Last evaluated: 2023-11-07. Review status: criteria provided, single submitter. Criteria: Invitae Variant Classification Sherloc (09022015). Collection method: clinical testing. Allele origin: germline.